The following is an entry in ClinVar:

ClinVar aggregate classification (germline): Benign. Review status: criteria provided, multiple submitters, no conflicts (2 of 4 stars). 17 submissions from 13 submitters: Benign (15). 2 of the submissions do not count toward it. Last evaluated 2026-02-04.

Conditions:
Liddle syndrome 1 (LIDLS1). Also called: PSEUDOALDOSTERONISM. Identifiers: Orphanet 526, MedGen CN031472, MONDO:0020607, OMIM 177200.
Bronchiectasis with or without elevated sweat chloride 1 (BESC1). Also called: Cystic Fibrosis-Like Syndrome. Identifiers: Orphanet 60033, MedGen C2749757, MONDO:0008887, OMIM 211400.
Pseudohypoaldosteronism, type IB1, autosomal recessive. Also called: Pseudohypoaldosteronism, Type I, Autosomal Recessive; Pseudohypoaldosteronism, Type I, Recessive; PHA I, AUTOSOMAL RECESSIVE; Autosomal recessive pseudohypoaldosteronism type 1. Identifiers: Orphanet 171876, Orphanet 756, MedGen C5774176, MONDO:0009917, OMIM 264350.

Allele frequency attached by ClinVar (database versions not stated): ESP Exome Variant Server 0.66231; gnomAD 0.66650 and 0.66128; TOPMed 0.67385; 1000 Genomes Project 30x 0.78342; 1000 Genomes Project 0.78854; gnomAD exomes 0.58301 and 0.62098; ExAC 0.63547.
gnomAD v4.1: 955,269 of 1,613,704 alleles (59%); highest among the groups gnomAD compares: East Asian, 99%; 294,935 homozygotes.

Submissions (17):

Labcorp Genetics (formerly Invitae), Labcorp
Classification: Benign. Last evaluated: 2026-02-04. Review status: criteria provided, single submitter. Criteria: Invitae Variant Classification Sherloc (09022015). Collection method: clinical testing. Allele origin: germline.

Blueprint Genetics
Classification: Benign. Last evaluated: 2024-11-27. Review status: criteria provided, single submitter. Criteria: ACMG Guidelines, 2015. Collection method: clinical testing. Allele origin: germline.

Mayo Clinic Laboratories, Mayo Clinic
Classification: Benign. Last evaluated: 2022-03-09. Review status: criteria provided, single submitter. Criteria: ACMG Guidelines, 2015. Collection method: clinical testing. Allele origin: germline. Observed: 156 variant alleles.

Genome-Nilou Lab
Classification: Benign for Bronchiectasis with or without elevated sweat chloride 1. Last evaluated: 2021-07-15. Review status: criteria provided, single submitter. Criteria: ACMG Guidelines, 2015. Collection method: clinical testing. Allele origin: germline. Affected: no.

Genome-Nilou Lab
Classification: Benign for Liddle syndrome 1. Last evaluated: 2021-07-15. Review status: criteria provided, single submitter. Criteria: ACMG Guidelines, 2015. Collection method: clinical testing. Allele origin: germline. Affected: no.

Genome-Nilou Lab
Classification: Benign for Pseudohypoaldosteronism, type IB1, autosomal recessive. Last evaluated: 2021-07-15. Review status: criteria provided, single submitter. Criteria: ACMG Guidelines, 2015. Collection method: clinical testing. Allele origin: germline. Affected: no.

Illumina Laboratory Services, Illumina
Classification: Benign for Bronchiectasis with or without elevated sweat chloride 1. Last evaluated: 2018-01-13. Review status: criteria provided, single submitter. Criteria: ICSL Variant Classification Criteria 13 December 2019. Collection method: clinical testing. Allele origin: germline.
Comment: This variant was observed in the ICSL laboratory as part of a predisposition screen in an ostensibly healthy population. It had not been previously curated by ICSL or reported in the Human Gene Mutation Database (HGMD: prior to June 1st, 2018), and was therefore a candidate for classification through an automated scoring system. Utilizing variant allele frequency, disease prevalence and penetrance estimates, and inheritance mode, an automated score was calculated to assess if this variant is too frequent to cause the disease. Based on the score and internal cut-off values, a variant classified as benign is not then subjected to further curation. The score for this variant resulted in a classification of benign for this disease.

Illumina Laboratory Services, Illumina
Classification: Benign for Liddle syndrome 1. Last evaluated: 2018-01-13. Review status: criteria provided, single submitter. Criteria: ICSL Variant Classification Criteria 13 December 2019. Collection method: clinical testing. Allele origin: germline.
Comment: the same text as in the submission from Illumina Laboratory Services, Illumina above.

Illumina Laboratory Services, Illumina
Classification: Benign for Pseudohypoaldosteronism, type IB1, autosomal recessive. Last evaluated: 2018-01-13. Review status: criteria provided, single submitter. Criteria: ICSL Variant Classification Criteria 13 December 2019. Collection method: clinical testing. Allele origin: germline.
Comment: the same text as in the submission from Illumina Laboratory Services, Illumina above.

Athena Diagnostics
Classification: Benign. Last evaluated: 2017-07-24. Review status: criteria provided, single submitter. Criteria: Athena Diagnostics Criteria. Collection method: clinical testing. Allele origin: germline.

GeneDx
Classification: Benign. Last evaluated: 2015-03-03. Review status: criteria provided, single submitter. Criteria: GeneDx Variant Classification Process June 2021. Collection method: clinical testing. Allele origin: germline. Affected: yes.

Eurofins Ntd Llc (ga)
Classification: Benign. Last evaluated: 2014-10-21. Review status: criteria provided, single submitter. Criteria: EGL Classification Definitions 2015. Collection method: clinical testing. Allele origin: germline. Observed: 1 variant allele, 1 heterozygote.

Laboratory for Molecular Medicine, Mass General Brigham Personalized Medicine
Classification: Benign. Last evaluated: 2013-02-21. Review status: criteria provided, single submitter. Criteria: LMM Criteria. Collection method: clinical testing. Allele origin: germline. Observed: 91 variant alleles.
Comment: Pro93Pro in exon 2 of SCNN1B: This variant is not expected to have clinical sign ificance because it does not alter an amino acid residue and is not located with in the splice consensus sequence. It has been identified in 45.2% (3883/8600) of European American chromosomes from a broad population by the NHLBI Exome Sequen cing Project (dbSNP rs238547).

Breakthrough Genomics
Classification: Benign. Review status: criteria provided, single submitter. Criteria: ACMG Guidelines, 2015. Collection method: not provided. Allele origin: germline. Inheritance: Autosomal dominant inheritance. Affected: yes.

PreventionGenetics, part of Exact Sciences
Classification: Benign. Review status: criteria provided, single submitter. Criteria: ACMG Guidelines, 2015. Collection method: clinical testing. Allele origin: germline.

Diagnostic Laboratory, Department of Genetics, University Medical Center Groningen
Classification: Benign. Review status: no assertion criteria provided. Collection method: clinical testing. Allele origin: germline. Affected: yes. Study: VKGL Data-share Consensus. Not counted in ClinVar's aggregate classification.

Joint Genome Diagnostic Labs from Nijmegen and Maastricht, Radboudumc and MUMC+
Classification: Benign. Review status: no assertion criteria provided. Collection method: clinical testing. Allele origin: germline. Affected: yes. Study: VKGL Data-share Consensus. Not counted in ClinVar's aggregate classification.

NM_000336.3(SCNN1B):c.279T>C (p.Pro93=)

Gene: SCNN1B (sodium channel epithelial 1 subunit beta; plus strand). Cytogenetic location: 16p12.2.
Variant type: single nucleotide variant.
Coding change: c.279T>C on transcript NM_000336.3 (MANE Select); coding-DNA position 279, T replaced by C.
Protein change: p.Pro93=; no amino-acid change (proline 93 retained).
Molecular consequence: synonymous variant.
Genome position (GRCh38, 1-based): chr16:23,348,878, T>C. VCF-style: chr16-23348878-T-C. GRCh37 (hg19) VCF-style: chr16-23360199-T-C.
Other names: p.Pro93=.
Identifiers: ClinVar variation 165167 (VCV000165167.33), dbSNP rs238547, ClinGen allele CA177877.